The following is an entry in ClinVar:

ClinVar aggregate classification (germline): Benign (1 of 4 stars; one submission).

Allele frequency attached by ClinVar (database versions not stated): TOPMed 0.10860; 1000 Genomes Project 30x 0.14007; 1000 Genomes Project 0.14217.
gnomAD v4.1: 17,570 of 152,202 alleles (12%); highest among the groups gnomAD compares: South Asian, 26%; 1,099 homozygotes.

Submission:

GeneDx
Classification: Benign. Last evaluated: 2018-06-20. Review status: criteria provided, single submitter. Criteria: GeneDx Variant Classification (06012015). Collection method: clinical testing. Allele origin: germline. Affected: yes.
Comment: This variant is considered likely benign or benign based on one or more of the following criteria: it is a conservative change, it occurs at a poorly conserved position in the protein, it is predicted to be benign by multiple in silico algorithms, and/or has population frequency not consistent with disease.

NM_003073.5(SMARCB1):c.1118+163G>T

Gene: SMARCB1 (SWI/SNF related, matrix associated, actin dependent regulator of chromatin, subfamily b, member 1; plus strand). Cytogenetic location: 22q11.23.
Variant type: single nucleotide variant.
Coding change: c.1118+163G>T on transcript NM_003073.5 (MANE Select); 163 bases into the intron after coding-DNA position 1118, G replaced by T.
Molecular consequence: intron variant.
Genome position (GRCh38, 1-based): chr22:23,833,866, G>T. VCF-style: chr22-23833866-G-T. GRCh37 (hg19) VCF-style: chr22-24176053-G-T.
Other names: c.1172+163G>T (NM_001362877.2); c.1145+163G>T (NM_001317946.2); c.1091+163G>T (NM_001007468.3).
Identifiers: ClinVar variation 677113 (VCV000677113.1), dbSNP rs17003998, ClinGen allele CA16005864.